The following is an entry in ClinVar:

ClinVar aggregate classification (germline): Uncertain significance (1 of 4 stars; one submission).

Allele frequency attached by ClinVar (database versions not stated): gnomAD exomes below 0.00001.
gnomAD v4.1: 1 of 1,613,276 alleles (0.000062%); highest among the groups gnomAD compares: Non-Finnish European, 0.000085%; no homozygotes.

Submission:

Ambry Genetics
Classification: Uncertain significance. Last evaluated: 2023-12-22. Review status: criteria provided, single submitter. Criteria: Ambry Variant Classification Scheme 2023. Collection method: clinical testing. Allele origin: germline.
Comment: The p.K466M variant (also known as c.1397A>T), located in coding exon 13 of the RAD54L gene, results from an A to T substitution at nucleotide position 1397. The lysine at codon 466 is replaced by methionine, an amino acid with similar properties. This amino acid position is conserved. In addition, the in silico prediction for this alteration is inconclusive. Since supporting evidence is limited at this time, the clinical significance of this alteration remains unclear.

NM_003579.4(RAD54L):c.1397A>T (p.Lys466Met)

Gene: RAD54L (RAD54 like; plus strand). Cytogenetic location: 1p34.1.
Variant type: single nucleotide variant.
Coding change: c.1397A>T on transcript NM_003579.4 (MANE Select); coding-DNA position 1397, A replaced by T.
Protein change: p.Lys466Met; replaces lysine 466 with methionine.
Molecular consequence: missense variant.
Genome position (GRCh38, 1-based): chr1:46,273,376, A>T. VCF-style: chr1-46273376-A-T. GRCh37 (hg19) VCF-style: chr1-46739048-A-T.
Other names: c.1397A>T, p.Lys466Met (NM_001142548.2); c.857A>T, p.Lys286Met (NM_001370766.1); short protein forms K286M, K466M.
Identifiers: ClinVar variation 3223408 (VCV003223408.1), dbSNP rs2525711365, ClinGen allele CA340180400.